The following is an entry in ClinVar:

NM_175875.5(SIX5):c.1379C>T (p.Pro460Leu)

Gene: SIX5 (SIX homeobox 5; minus strand). Cytogenetic location: 19q13.32.
Variant type: single nucleotide variant.
Coding change: c.1379C>T on transcript NM_175875.5 (MANE Select); coding-DNA position 1379, C replaced by T.
Protein change: p.Pro460Leu; replaces proline 460 with leucine.
Molecular consequence: missense variant.
Genome position (GRCh38, 1-based): chr19:45,766,580, G>A on the plus strand (C>T on the coding strand, the complement: SIX5 is on the minus strand). VCF-style: chr19-45766580-G-A. GRCh37 (hg19) VCF-style: chr19-46269838-G-A.
Other names: short protein forms P460L.
Identifiers: ClinVar variation 2650125 (VCV002650125.27), dbSNP rs773681235, ClinGen allele CA9520630.

ClinVar aggregate classification (germline): Conflicting classifications of pathogenicity. Review status: criteria provided, conflicting classifications (1 of 4 stars). 3 submissions from 3 submitters: Uncertain significance (2); Likely benign (1). Last evaluated 2025-07-14.

Conditions:
Branchiootorenal syndrome 2 (BOR2). Identifiers: Orphanet 107, MedGen C1970479, MONDO:0012575, OMIM 610896.

gnomAD v4.1: 74 of 1,470,950 alleles (0.005%); highest among the groups gnomAD compares: African/African-American, 0.0099%; no homozygotes.

Submissions (3):

Labcorp Genetics (formerly Invitae), Labcorp
Classification: Uncertain significance. Last evaluated: 2025-07-14. Review status: criteria provided, single submitter. Criteria: Invitae Variant Classification Sherloc (09022015). Collection method: clinical testing. Allele origin: germline.
Comment: This sequence change replaces proline, which is neutral and non-polar, with leucine, which is neutral and non-polar, at codon 460 of the SIX5 protein (p.Pro460Leu). This variant is present in population databases (rs773681235, gnomAD 0.1%). This variant has not been reported in the literature in individuals affected with SIX5-related conditions. ClinVar contains an entry for this variant (Variation ID: 2650125). Invitae Evidence Modeling of protein sequence and biophysical properties (such as structural, functional, and spatial information, amino acid conservation, physicochemical variation, residue mobility, and thermodynamic stability) indicates that this missense variant is not expected to disrupt SIX5 protein function with a negative predictive value of 80%. In summary, the available evidence is currently insufficient to determine the role of this variant in disease. Therefore, it has been classified as a Variant of Uncertain Significance.

Fulgent Genetics
Classification: Uncertain significance for Branchiootorenal syndrome 2. Last evaluated: 2024-04-19. Review status: criteria provided, single submitter. Criteria: ACMG Guidelines, 2015. Collection method: clinical testing. Allele origin: germline.

CeGaT Center for Human Genetics Tuebingen
Classification: Likely benign. Last evaluated: 2023-10-01. Review status: criteria provided, single submitter. Criteria: CeGaT Center For Human Genetics Tuebingen Variant Classification Criteria Version 2. Collection method: clinical testing. Allele origin: germline. Affected: yes. Observed: 1 variant allele.
Comment: SIX5: BS2